The following is an entry in ClinVar:

ClinVar aggregate classification (germline): Uncertain significance. Review status: criteria provided, multiple submitters, no conflicts (2 of 4 stars). 2 submissions from 2 submitters: Uncertain significance (2). Last evaluated 2025-03-04.

Submissions (2):

Center for Genomic Medicine, Rigshospitalet, Copenhagen University Hospital
Classification: Uncertain significance. Last evaluated: 2025-03-04. Review status: criteria provided, single submitter. Criteria: ACMG Guidelines, 2015. Collection method: clinical testing. Allele origin: germline.

Labcorp Genetics (formerly Invitae), Labcorp
Classification: Uncertain significance. Last evaluated: 2023-10-22. Review status: criteria provided, single submitter. Criteria: Invitae Variant Classification Sherloc (09022015). Collection method: clinical testing. Allele origin: germline.
Comment: This sequence change falls in intron 10 of the MSH3 gene. It does not directly change the encoded amino acid sequence of the MSH3 protein. This variant is not present in population databases (gnomAD no frequency). This variant has not been reported in the literature in individuals affected with MSH3-related conditions. ClinVar contains an entry for this variant (Variation ID: 2134356). Algorithms developed to predict the effect of sequence changes on RNA splicing suggest that this variant may disrupt the consensus splice site. In summary, the available evidence is currently insufficient to determine the role of this variant in disease. Therefore, it has been classified as a Variant of Uncertain Significance.

NM_002439.5(MSH3):c.1569-6T>A

Gene: MSH3 (mutS homolog 3; plus strand). Cytogenetic location: 5q14.1.
Variant type: single nucleotide variant.
Coding change: c.1569-6T>A on transcript NM_002439.5 (MANE Select); 6 bases into the intron before coding-DNA position 1569, T replaced by A.
Molecular consequence: intron variant.
Genome position (GRCh38, 1-based): chr5:80,741,458, T>A. VCF-style: chr5-80741458-T-A. GRCh37 (hg19) VCF-style: chr5-80037277-T-A.
Identifiers: ClinVar variation 2134356 (VCV002134356.5), dbSNP rs2112866722, ClinGen allele CA2580073491.